The following is an entry in ClinVar:

ClinVar aggregate classification (germline): Uncertain significance. Review status: criteria provided, multiple submitters, no conflicts (2 of 4 stars). 6 submissions from 6 submitters: Uncertain significance (6). Last evaluated 2026-09-09.

Conditions:
PTPN11-related disorder. Also called: PTPN11-Related Disorders.
Cardiovascular phenotype. Identifiers: MedGen CN230736.
RASopathy. Also called: rasopathies; Noonan spectrum disorder. Identifiers: Orphanet 536391, MedGen C5555857, MONDO:0021060.

Allele frequency attached by ClinVar (database versions not stated): gnomAD exomes 0.00001 and 0.00002; gnomAD 0.00003; TOPMed 0.00003.
gnomAD v4.1: 29 of 1,613,812 alleles (0.0018%); highest among the groups gnomAD compares: Non-Finnish European, 0.0022%; no homozygotes.

Submissions (6):

PreventionGenetics, part of Exact Sciences
Classification: Uncertain significance for PTPN11-related condition. Last evaluated: 2026-09-09. Review status: criteria provided, single submitter. Criteria: ACMG Guidelines, 2015. Collection method: clinical testing. Allele origin: germline.
Comment: The PTPN11 c.1642T>C variant is predicted to result in the amino acid substitution p.Ser548Pro. To our knowledge, this variant has not been reported in the literature. This variant is reported in 0.0023% of alleles in individuals of European (Non-Finnish) descent in gnomAD. At this time, the clinical significance of this variant is uncertain due to the absence of conclusive functional and genetic evidence.

Ambry Genetics
Classification: Uncertain significance for Cardiovascular phenotype. Last evaluated: 2024-11-24. Review status: criteria provided, single submitter. Criteria: Ambry Variant Classification Scheme 2023. Collection method: clinical testing. Allele origin: germline.
Comment: The p.S548P variant (also known as c.1642T>C), located in coding exon 14 of the PTPN11 gene, results from a T to C substitution at nucleotide position 1642. The serine at codon 548 is replaced by proline, an amino acid with similar properties. This amino acid position is conserved. In addition, the in silico prediction for this alteration is inconclusive. Since supporting evidence is limited at this time, the clinical significance of this alteration remains unclear.

Labcorp Genetics (formerly Invitae), Labcorp
Classification: Uncertain significance for RASopathy. Last evaluated: 2024-10-07. Review status: criteria provided, single submitter. Criteria: Invitae Variant Classification Sherloc (09022015). Collection method: clinical testing. Allele origin: germline.
Comment: This sequence change replaces serine, which is neutral and polar, with proline, which is neutral and non-polar, at codon 548 of the PTPN11 protein (p.Ser548Pro). This variant is present in population databases (no rsID available, gnomAD 0.002%). This variant has not been reported in the literature in individuals affected with PTPN11-related conditions. ClinVar contains an entry for this variant (Variation ID: 372653). Invitae Evidence Modeling of protein sequence and biophysical properties (such as structural, functional, and spatial information, amino acid conservation, physicochemical variation, residue mobility, and thermodynamic stability) indicates that this missense variant is not expected to disrupt PTPN11 protein function with a negative predictive value of 80%. In summary, the available evidence is currently insufficient to determine the role of this variant in disease. Therefore, it has been classified as a Variant of Uncertain Significance.

Blueprint Genetics
Classification: Uncertain significance. Last evaluated: 2024-08-13. Review status: criteria provided, single submitter. Criteria: ACMG Guidelines, 2015. Collection method: clinical testing. Allele origin: germline.

GeneDx
Classification: Uncertain significance. Last evaluated: 2023-07-11. Review status: criteria provided, single submitter. Criteria: GeneDx Variant Classification Process June 2021. Collection method: clinical testing. Allele origin: germline. Affected: yes.
Comment: Missense variants in this gene are often considered pathogenic (HGMD); In silico analysis supports that this missense variant does not alter protein structure/function; Has not been previously published as pathogenic or benign to our knowledge; This variant is associated with the following publications: (PMID: 29493581)

Women's Health and Genetics/Laboratory Corporation of America, LabCorp
Classification: Uncertain significance. Last evaluated: 2019-11-11. Review status: criteria provided, single submitter. Criteria: LabCorp Variant Classification Summary - May 2015. Collection method: clinical testing. Allele origin: germline.
Comment: Variant summary: PTPN11 c.1642T>C (p.Ser548Pro) results in a non-conservative amino acid change in the encoded protein sequence. Three of five in-silico tools predict a benign effect of the variant on protein function. The variant allele was found at a frequency of 8e-06 in 251032 control chromosomes (gnomAD). The available data on variant occurrences in the general population are insufficient to allow any conclusion about variant significance. To our knowledge, no occurrence of c.1642T>C in individuals affected with Noonan Syndrome and Related Conditions and no experimental evidence demonstrating its impact on protein function have been reported. One ClinVar submitter (evaluation after 2014) cites the variant as uncertain significance. Based on the evidence outlined above, the variant was classified as uncertain significance.

NM_002834.5(PTPN11):c.1642T>C (p.Ser548Pro)

Gene: PTPN11 (protein tyrosine phosphatase non-receptor type 11; plus strand). Cytogenetic location: 12q24.13.
Variant type: single nucleotide variant.
Coding change: c.1642T>C on transcript NM_002834.5 (MANE Select); coding-DNA position 1642, T replaced by C.
Protein change: p.Ser548Pro; replaces serine 548 with proline.
Molecular consequence: missense variant.
Genome position (GRCh38, 1-based): chr12:112,502,186, T>C. VCF-style: chr12-112502186-T-C. GRCh37 (hg19) VCF-style: chr12-112939990-T-C.
Other names: c.1642T>C (NM_002834.4); c.1654T>C, p.Ser552Pro (NM_001330437.2); c.1639T>C, p.Ser547Pro (NM_001374625.1); short protein forms S548P, S552P, S547P.
Identifiers: ClinVar variation 372653 (VCV000372653.15), dbSNP rs1057517907, ClinGen allele CA16042779.
Genomic context (GRCh38, chr12:112,502,186, plus strand): 5'-CACTCTTCCAAATTTCAGAAAAGCAAGAGGAAAGGGCACGAATATACAAATATTAAGTAT[T>C]CTCTAGCGGACCAGACGAGTGGAGATCAGAGCCCTCTCCCGCCTTGTACTCCAACGCCAC-3'
Protein context (NP_002825.3, residues 538-558): KGHEYTNIKY[Ser548Pro]LADQTSGDQS